The following is an entry in ClinVar:

NM_001164508.2(NEB):c.1782+1del

Gene: NEB (nebulin; minus strand). Cytogenetic location: 2q23.3.
Variant type: Deletion.
Coding change: c.1782+1del on transcript NM_001164508.2 (MANE Select); the canonical splice donor site of the intron after coding-DNA position 1782, one base deleted (G; older notation c.1782+1delG).
Molecular consequence: splice donor variant.
Genome position (GRCh38, 1-based): chr2:151,694,521, C deleted on the plus strand (G on the coding strand, the reverse complement: NEB is on the minus strand). VCF-style (leftmost placement, unchanged base first): chr2-151694520-AC-A. GRCh37 (hg19) VCF-style: chr2-152551034-AC-A.
Other names: c.1782+1del (NM_004543.5, NM_001164507.2, NM_001271208.2).
Identifiers: ClinVar variation 1483660 (VCV001483660.8), dbSNP rs1390897355, ClinGen allele CA758901418.

ClinVar aggregate classification (germline): Likely pathogenic (1 of 4 stars; one submission).

Conditions:
Nemaline myopathy 2 (NEM2). Also called: Nemaline myopathy 2, autosomal recessive. Identifiers: MedGen C1850569, MONDO:0009725, OMIM 256030.

Allele frequency attached by ClinVar (database versions not stated): TOPMed 0.00001.

Submission:

Labcorp Genetics (formerly Invitae), Labcorp
Classification: Likely pathogenic for Nemaline myopathy 2. Last evaluated: 2021-05-17. Review status: criteria provided, single submitter. Criteria: Invitae Variant Classification Sherloc (09022015). Collection method: clinical testing. Allele origin: germline.
Comment: In summary, the currently available evidence indicates that the variant is pathogenic, but additional data are needed to prove that conclusively. Therefore, this variant has been classified as Likely Pathogenic. Algorithms developed to predict the effect of sequence changes on RNA splicing suggest that this variant may disrupt the consensus splice site, but this prediction has not been confirmed by published transcriptional studies. This variant has not been reported in the literature in individuals with NEB-related conditions. This variant is not present in population databases (ExAC no frequency). This sequence change affects a splice site in intron 19 of the NEB gene. It is expected to disrupt RNA splicing. Variants that disrupt the donor or acceptor splice site typically lead to a loss of protein function (PMID: 16199547), and loss-of-function variants in NEB are known to be pathogenic (PMID: 25205138).

Literature cited by the submitters: PubMed 16199547; PubMed 25205138.